The following is an entry in ClinVar:

ClinVar aggregate classification (germline): Conflicting classifications of pathogenicity. Review status: criteria provided, conflicting classifications (1 of 4 stars). 17 submissions from 17 submitters: Uncertain significance (11); Likely benign (1). 5 of the submissions do not count toward it. Last evaluated 2025-07-10.

Conditions:
CHEK2-related disorder.
Hereditary cancer-predisposing syndrome. Also called: Hereditary neoplastic syndrome; Neoplastic Syndromes, Hereditary; Hereditary Cancer Syndrome; Tumor predisposition. Identifiers: Orphanet 140162, MedGen C0027672, MeSH D009386, MONDO:0015356.
Familial ovarian cancer. Identifiers: MedGen C5679802, MONDO:0016248.
Hereditary breast ovarian cancer syndrome. Also called: Hereditary breast and/or ovarian cancer syndrome; Hereditary breast and ovarian cancer syndrome; Breast and ovarian cancer; BRCA1- and BRCA2-Associated Hereditary Breast and Ovarian Cancer; Hereditary breast and ovarian cancer; Hereditary breast and ovarian cancer syndrome (HBOC). Identifiers: Orphanet 145, MedGen C0677776, MeSH D061325, MONDO:0003582. Disease mechanism: loss of function.
Familial cancer of breast. Also called: Hereditary breast cancer; BREAST CANCER, FAMILIAL; hereditary breast carcinoma. Identifiers: Orphanet 227535, MedGen C0346153, MONDO:0016419, OMIM 114480. Disease mechanism: loss of function.

Allele frequency attached by ClinVar (database versions not stated): ExAC 0.00006; gnomAD exomes 0.00006 and 0.00009; ESP Exome Variant Server 0.00008; TOPMed 0.00013; gnomAD 0.00014.
gnomAD v4.1: 154 of 1,611,776 alleles (0.0096%); highest among the groups gnomAD compares: Non-Finnish European, 0.012%; no homozygotes.

Submissions 1 to 10 of 17:

Women's Health and Genetics/Laboratory Corporation of America, LabCorp
Classification: Uncertain significance. Last evaluated: 2025-07-10. Review status: criteria provided, single submitter. Criteria: LabCorp Variant Classification Summary - May 2015. Collection method: clinical testing. Allele origin: germline.
Comment: Variant summary: CHEK2 c.-4C>T is located in the untranslated mRNA region upstream of the initiation codon. The variant allele was found at a frequency of 5.7e-05 in 244790 control chromosomes. This frequency is not significantly higher than estimated for a pathogenic variant in CHEK2 causing Breast Cancer (5.7e-05 vs 0.00031), allowing no conclusion about variant significance. c.-4C>T has been reported in the literature in individuals affected with breast cancer (e.g. Decker_2017, Paduano_2022, Guindalini_2022) or unspecified breast/ovarian or pancreatic cancer (e.g. Bono_2021), both without evidence of causality, in chronic myeloid leukemia with other reportedly causative variants (e.g. Kazemi-Sefat_2022), and in ovarian cancer with tumor loss of heterozygosity and faint protein expression by IHC, suggesting a potential role of the variant in tumorigenesis (e.g.Williams_2006). The following publications have been ascertained in the context of this evaluation (PMID: 34371384, 28779002, 35264596, 35896598, 35886069, 17145815, 21681852, 35534704, 39590369, 34326862). ClinVar contains an entry for this variant (Variation ID: 128039). Based on the evidence outlined above, the variant was classified as uncertain significance.

Ambry Genetics
Classification: Uncertain significance for Hereditary cancer-predisposing syndrome. Last evaluated: 2025-05-14. Review status: criteria provided, single submitter. Criteria: Ambry Variant Classification Scheme 2023. Collection method: clinical testing. Allele origin: germline.
Comment: The c.-4C>T variant is located in the 5' untranslated region (5&rsquo; UTR) of the CHEK2 gene. This variant results from a C to T substitution 4 bases upstream from the first translated codon. This alteration has also been reported in at least one subject in a study of 13087 breast cancer cases and 5488 control individuals in the UK (Decker B et al. J Med Genet, 2017 11;54:732-741). This variant was detected once in a cohort of 1663 Brazilian breast cancer patients who underwent hereditary multigene panel testing (Guindalini RSC et al. Sci Rep, 2022 Mar;12:4190). This variant was identified in a patient with breast cancer as part of a large Canadian cohort study of 2870 individuals (Bhai P et al. Front Genet, 2021 Jul;12:698595). This nucleotide position is not well conserved in available vertebrate species. RNA studies have demonstrated this alteration does not result in abnormal splicing in the set of samples tested (Ambry internal data). Based on the available evidence, the clinical significance of this variant remains unclear.

German Consortium for Hereditary Breast and Ovarian Cancer, University Hospital Cologne
Classification: Uncertain significance for Hereditary breast ovarian cancer syndrome. Last evaluated: 2025-03-11. Review status: criteria provided, single submitter. Criteria: ACMG Guidelines, 2015. Collection method: curation. Allele origin: germline.

Center for Genomic Medicine, Rigshospitalet, Copenhagen University Hospital
Classification: Uncertain significance. Last evaluated: 2025-03-04. Review status: criteria provided, single submitter. Criteria: ACMG Guidelines, 2015. Collection method: clinical testing. Allele origin: germline.

Institute for Biomarker Research, Medical Diagnostic Laboratories, L.L.C.
Classification: Uncertain significance for Hereditary cancer-predisposing syndrome. Last evaluated: 2025-01-10. Review status: criteria provided, single submitter. Criteria: ACMG Guidelines, 2015. Collection method: clinical testing. Allele origin: germline.
Comment: The splice region variant NM_001005735.2(CHEK2):c.-4C>T has not been reported previously as a pathogenic variant nor as a benign variant, to our knowledge. The c.-4C>T variant is not predicted to disrupt the existing acceptor splice site 3bp upstream by any splice site algorithm. The c.-4C>T variant is not predicted to introduce a novel splice site by any splice site algorithm. For these reasons, this variant has been classified as Uncertain Significance

GeneDx
Classification: Uncertain significance. Last evaluated: 2024-12-23. Review status: criteria provided, single submitter. Criteria: GeneDx Variant Classification Process June 2021. Collection method: clinical testing. Allele origin: germline. Affected: yes.
Comment: Observed in individuals with breast, ovarian, or pancreatic cancer (PMID: 17145815, 28779002, 29522266, 31784482, 34326862, 34371384, 35264596, 35534704, 35886069); Not observed at significant frequency in large population cohorts (gnomAD); Nucleotide is not conserved across species and the substitution has no predicted effect on splicing; Describes a nucleotide substitution 4 base pairs upstream of the ATG translational start site of the CHEK2 gene, occurring in the consensus Kozak sequence, the nucleotides just upstream of the ATG start codon, which play a major role in the initiation of translation; This variant is associated with the following publications: (PMID: 31784482, 17145815, 28779002, 21681852, 29522266, 35886069, 34371384, 35264596, 35896598, 34326862, 35534704)

Quest Diagnostics Nichols Institute San Juan Capistrano
Classification: Uncertain significance. Last evaluated: 2024-11-29. Review status: criteria provided, single submitter. Criteria: Quest Diagnostics criteria. Collection method: clinical testing. Allele origin: unknown.
Comment: The CHEK2 c.-4C>T variant has been reported in the published literature in individuals with breast cancer (PMIDs: 28779002 (2017), 35886069 (2022), 35534704 (2022), and 35264596 (2022)), in an individual with unspecified breast/ovarian or pancreatic cancer (PMID: 34371384 (2021)), in chronic myeloid leukemia with a causative variant in another gene (PMID: 35896598 (2022)), and an individual with ovarian cancer whose tumor showed loss of heterozygosity and low protein expression by immunohistochemistry (PMID: 17145815 (2006)). The frequency of this variant in the general population, 0.00011 (12/107708 chromosomes (Genome Aggregation Database)), is uninformative in the assessment of its pathogenicity. Analysis of this variant using software algorithms for the prediction of the effect of nucleotide changes on splicing yielded predictions that this variant does not affect CHEK2 mRNA splicing. Based on the available information, we are unable to determine the clinical significance of this variant.

Labcorp Genetics (formerly Invitae), Labcorp
Classification: Uncertain significance for Familial cancer of breast. Last evaluated: 2024-07-22. Review status: criteria provided, single submitter. Criteria: Invitae Variant Classification Sherloc (09022015). Collection method: clinical testing. Allele origin: germline.
Comment: This variant occurs in a non-coding region of the CHEK2 gene. It does not change the encoded amino acid sequence of the CHEK2 protein. This variant is present in population databases (rs374938148, gnomAD 0.01%). This variant has been observed in individual(s) with CHEK2-related conditions (PMID: 4326862, 17145815, 28779002, 35264596, 35886069). ClinVar contains an entry for this variant (Variation ID: 128039). In summary, the available evidence is currently insufficient to determine the role of this variant in disease. Therefore, it has been classified as a Variant of Uncertain Significance.

Myriad Genetics, Inc.
Classification: Uncertain significance for Familial cancer of breast. Last evaluated: 2023-05-08. Review status: criteria provided, single submitter. Criteria: Myriad Autosomal Dominant, Autosomal Recessive and X-Linked Classification Criteria (2023). Collection method: clinical testing. Allele origin: unknown.
Comment: This variant is classified as a variant of uncertain significance as there is insufficient evidence to determine its impact on protein function and/or cancer risk.

Sema4
Classification: Uncertain significance for Hereditary cancer-predisposing syndrome. Last evaluated: 2021-08-11. Review status: criteria provided, single submitter. Criteria: Sema4 Curation Guidelines. Collection method: curation. Allele origin: germline.
Comment: The CHEK2 c.-4C>T variant has been reported in heterozygosity in at least four individuals with breast cancer and one with ovarian cancer (PMID: 28779002, 17145815). The variant is located in the 5' untranslated region, within the Kozak sequence, a region that plays a role in the initiation of translation. This nucleotide position is not well conserved in available vertebrate species. It was observed in 12/107708 chromosomes of the Non-Finnish European subpopulation, with no homozygotes, in the large and broad cohorts of the Genome Aggregation Database (PMID: 32461654). The variant has been reported in ClinVar (Variation ID 128039). The evidence is insufficient to meet ACMG/AMP criteria for classifying the variant as benign or pathogenic. Thus, the clinical significance of this variant is currently uncertain.

NM_007194.4(CHEK2):c.-4C>T

Gene: CHEK2 (checkpoint kinase 2; minus strand). Cytogenetic location: 22q12.1.
Variant type: single nucleotide variant.
Coding change: c.-4C>T on transcript NM_007194.4 (MANE Select); 4 bases upstream of the start codon, C replaced by T.
Molecular consequence: 5 prime UTR variant.
Genome position (GRCh38, 1-based): chr22:28,734,725, G>A on the plus strand (C>T on the coding strand, the complement: CHEK2 is on the minus strand). VCF-style: chr22-28734725-G-A. GRCh37 (hg19) VCF-style: chr22-29130713-G-A.
Other names: c.-4C>T (NM_001005735.3, NM_001349956.3, NM_145862.3); c.-781C>T (NM_001257387.3).
Identifiers: ClinVar variation 128039 (VCV000128039.44), dbSNP rs374938148, ClinGen allele CA288248.